The following is an entry in ClinVar:

NM_006766.5(KAT6A):c.484A>G (p.Lys162Glu)

Gene: KAT6A (lysine acetyltransferase 6A; minus strand). Cytogenetic location: 8p11.21.
Variant type: single nucleotide variant.
Coding change: c.484A>G on transcript NM_006766.5 (MANE Select); coding-DNA position 484, A replaced by G.
Protein change: p.Lys162Glu; replaces lysine 162 with glutamic acid.
Molecular consequence: missense variant.
Genome position (GRCh38, 1-based): chr8:42,048,494, T>C on the plus strand (A>G on the coding strand, the complement: KAT6A is on the minus strand). VCF-style: chr8-42048494-T-C. GRCh37 (hg19) VCF-style: chr8-41906012-T-C.
Other names: c.484A>G, p.Lys162Glu (NM_001305878.2); short protein forms K162E.
Identifiers: ClinVar variation 2876025 (VCV002876025.3), dbSNP rs2487060373, ClinGen allele CA371174580.

ClinVar aggregate classification (germline): Uncertain significance (1 of 4 stars; one submission).

Submission:

Labcorp Genetics (formerly Invitae), Labcorp
Classification: Uncertain significance. Last evaluated: 2022-10-20. Review status: criteria provided, single submitter. Criteria: Invitae Variant Classification Sherloc (09022015). Collection method: clinical testing. Allele origin: germline.
Comment: In summary, the available evidence is currently insufficient to determine the role of this variant in disease. Therefore, it has been classified as a Variant of Uncertain Significance. Advanced modeling of protein sequence and biophysical properties (such as structural, functional, and spatial information, amino acid conservation, physicochemical variation, residue mobility, and thermodynamic stability) performed at Invitae indicates that this missense variant is not expected to disrupt KAT6A protein function. This variant has not been reported in the literature in individuals affected with KAT6A-related conditions. This variant is not present in population databases (gnomAD no frequency). This sequence change replaces lysine, which is basic and polar, with glutamic acid, which is acidic and polar, at codon 162 of the KAT6A protein (p.Lys162Glu).